The following is an entry in ClinVar:

NM_000179.2(MSH6):c.-210C>T

Genes: MSH6 (mutS homolog 6; plus strand), LOC129933706 (ATAC-STARR-seq lymphoblastoid silent region 11467; plus strand). Cytogenetic location: 2p16.3.
Variant type: single nucleotide variant.
Coding change: c.-210C>T on transcript NM_000179.2; 210 bases upstream of the start codon, C replaced by T.
Genome position (GRCh38, 1-based): chr2:47,783,024, C>T. VCF-style: chr2-47783024-C-T. GRCh37 (hg19) VCF-style: chr2-48010163-C-T.
Identifiers: ClinVar variation 89160 (VCV000089160.6), dbSNP rs181096360, ClinGen allele CA330336.

ClinVar aggregate classification (germline): Benign. Review status: reviewed by expert panel (3 of 4 stars). 2 submissions from 2 submitters: Benign (1). 1 of the submissions does not count toward it. Last evaluated 2013-09-05.

Conditions:
Lynch syndrome. Identifiers: Orphanet 144, MedGen C4552100, MONDO:0005835. Disease mechanism: loss of function.

Allele frequency attached by ClinVar (database versions not stated): 1000 Genomes Project 0.00240; gnomAD 0.00533 and 0.00543; gnomAD exomes 0.00615; 1000 Genomes Project 30x 0.00219; TOPMed 0.00495.

Submissions (2):

International Society for Gastrointestinal Hereditary Tumours (InSiGHT)
Classification: Benign for Lynch Syndrome. Last evaluated: 2013-09-05. Review status: reviewed by expert panel. Criteria: Guidelines v1.9. Collection method: research. Allele origin: germline.
Comment: MAF >1%

Classified with v1.9 guidelines
ClinVar note: Converted during submission from no known pathogenicity to Benign.

Breakthrough Genomics
Classification: Benign. Review status: criteria provided, single submitter. Criteria: ACMG Guidelines, 2015. Collection method: not provided. Allele origin: germline. Inheritance: Autosomal recessive inheritance. Affected: yes. Not counted in ClinVar's aggregate classification.